The following is an entry in ClinVar:

NM_199420.4(POLQ):c.2539G>A (p.Asp847Asn)

Gene: POLQ (DNA polymerase theta; minus strand). Cytogenetic location: 3q13.33.
Variant type: single nucleotide variant.
Coding change: c.2539G>A on transcript NM_199420.4 (MANE Select); coding-DNA position 2539, G replaced by A.
Protein change: p.Asp847Asn; replaces aspartic acid 847 with asparagine.
Molecular consequence: missense variant.
Genome position (GRCh38, 1-based): chr3:121,490,392, C>T on the plus strand (G>A on the coding strand, the complement: POLQ is on the minus strand). VCF-style: chr3-121490392-C-T. GRCh37 (hg19) VCF-style: chr3-121209239-C-T.
Other names: short protein forms D847N.
Identifiers: ClinVar variation 2561735 (VCV002561735.2), dbSNP rs2546788561, ClinGen allele CA354105974.

ClinVar aggregate classification (germline): Uncertain significance (1 of 4 stars; one submission).

Submission:

Ambry Genetics
Classification: Uncertain significance. Last evaluated: 2023-04-20. Review status: criteria provided, single submitter. Criteria: Ambry Variant Classification Scheme 2023. Collection method: clinical testing. Allele origin: germline.
Comment: The p.D847N variant (also known as c.2539G>A), located in coding exon 16 of the POLQ gene, results from a G to A substitution at nucleotide position 2539. The aspartic acid at codon 847 is replaced by asparagine, an amino acid with highly similar properties. This amino acid position is conserved. In addition, this alteration is predicted to be tolerated by in silico analysis. Since supporting evidence is limited at this time, the clinical significance of this alteration remains unclear.